The following is an entry in ClinVar:

ClinVar aggregate classification (germline): Uncertain significance (1 of 4 stars; one submission).

Conditions:
Autoimmune lymphoproliferative syndrome type 2A (ALPS2A). Also called: CASP10-Related Autoimmune Lymphoproliferative Syndrome; AUTOIMMUNE LYMPHOPROLIFERATIVE SYNDROME, TYPE IIA; Autoimmune lymphoproliferative syndrome type 2. Identifiers: Orphanet 3261, MedGen C1858968, MONDO:0011383, OMIM 603909.

Submission:

Labcorp Genetics (formerly Invitae), Labcorp
Classification: Uncertain significance for Autoimmune lymphoproliferative syndrome type 2A. Last evaluated: 2024-06-16. Review status: criteria provided, single submitter. Criteria: Invitae Variant Classification Sherloc (09022015). Collection method: clinical testing. Allele origin: germline.
Comment: This sequence change replaces glycine, which is neutral and non-polar, with glutamic acid, which is acidic and polar, at codon 302 of the CASP10 protein (p.Gly302Glu). This variant is not present in population databases (gnomAD no frequency). This variant has not been reported in the literature in individuals affected with CASP10-related conditions. Advanced modeling of protein sequence and biophysical properties (such as structural, functional, and spatial information, amino acid conservation, physicochemical variation, residue mobility, and thermodynamic stability) performed at Invitae indicates that this missense variant is expected to disrupt CASP10 protein function with a positive predictive value of 80%. In summary, the available evidence is currently insufficient to determine the role of this variant in disease. Therefore, it has been classified as a Variant of Uncertain Significance.

NM_032977.4(CASP10):c.905G>A (p.Gly302Glu)

Gene: CASP10 (caspase 10; plus strand). Cytogenetic location: 2q33.1.
Variant type: single nucleotide variant.
Coding change: c.905G>A on transcript NM_032977.4 (MANE Select); coding-DNA position 905, G replaced by A.
Protein change: p.Gly302Glu; replaces glycine 302 with glutamic acid.
Molecular consequence: missense variant. On other transcripts: synonymous variant (1), intron variant (1).
Genome position (GRCh38, 1-based): chr2:201,208,166, G>A. VCF-style: chr2-201208166-G-A. GRCh37 (hg19) VCF-style: chr2-202072889-G-A.
Other names: c.776G>A, p.Gly259Glu (NM_001206542.2, NM_001230.5); c.905G>A, p.Gly302Glu (NM_032974.5); c.813G>A, p.Arg271= (NM_032976.4); c.722-904G>A (NM_001206524.2); short protein forms G259E, G302E.
Identifiers: ClinVar variation 3756845 (VCV003756845.2).